The following is an entry in ClinVar:

NM_000052.7(ATP7A):c.599A>G (p.Gln200Arg)

Gene: ATP7A (ATPase copper transporting alpha; plus strand). Cytogenetic location: Xq21.1.
Variant type: single nucleotide variant.
Coding change: c.599A>G on transcript NM_000052.7 (MANE Select); coding-DNA position 599, A replaced by G.
Protein change: p.Gln200Arg; replaces glutamine 200 with arginine.
Molecular consequence: missense variant.
Genome position (GRCh38, 1-based): chrX:77,988,720, A>G. VCF-style: chrX-77988720-A-G. GRCh37 (hg19) VCF-style: chrX-77244216-A-G.
Other names: c.599A>G, p.Gln200Arg (NM_001282224.2); short protein forms Q200R.
Identifiers: ClinVar variation 3752255 (VCV003752255.2).
Genomic context (GRCh38, chrX:77,988,720, plus strand): 5'-TGACCTGCCATTCATGTACTAGCACTATTGAAGGAAAAATTGGGAAACTGCAAGGTGTTC[A>G]GCGAATTAAAGGTAATGTGTCTGGTGTTGATTGTTTTGTAAGGCTTAGGTGTCTGTTTTG-3'
Protein context (NP_000043.4, residues 190-210): EGKIGKLQGV[Gln200Arg]RIKVSLDNQE

ClinVar aggregate classification (germline): Uncertain significance (1 of 4 stars; one submission).

Conditions:
Menkes kinky-hair syndrome (MNK). Also called: Copper transport disease; Menkes Disease; Classic Menkes Disease. Identifiers: Orphanet 565, MedGen C0022716, MONDO:0010651, OMIM 309400.
X-linked distal spinal muscular atrophy type 3. Also called: ATP7A-Related Distal Motor Neuropathy; SPINAL MUSCULAR ATROPHY, DISTAL, X-LINKED RECESSIVE; NEURONOPATHY, DISTAL HEREDITARY MOTOR, X-LINKED; NEUROPATHY, DISTAL HEREDITARY MOTOR, X-LINKED. Identifiers: Orphanet 139557, MedGen C1845359, MONDO:0010338, OMIM 300489.
Cutis laxa, X-linked (OHS). Also called: EDS IX; Occipital horn syndrome. Identifiers: Orphanet 198, MedGen C0268353, MONDO:0010572, OMIM 304150.

gnomAD v4.1: 1 of 1,211,064 alleles (0.000083%); highest among the groups gnomAD compares: African/African-American, 0.0017%; no homozygotes.

Submission:

Labcorp Genetics (formerly Invitae), Labcorp
Classification: Uncertain significance for X-linked distal spinal muscular atrophy type 3; Cutis laxa, X-linked; Menkes kinky-hair syndrome. Last evaluated: 2025-06-09. Review status: criteria provided, single submitter. Criteria: Invitae Variant Classification Sherloc (09022015). Collection method: clinical testing. Allele origin: germline.
Comment: This sequence change replaces glutamine, which is neutral and polar, with arginine, which is basic and polar, at codon 200 of the ATP7A protein (p.Gln200Arg). This variant is not present in population databases (gnomAD no frequency). This variant has not been reported in the literature in individuals affected with ATP7A-related conditions. ClinVar contains an entry for this variant (Variation ID: 3752255). Invitae Evidence Modeling of protein sequence and biophysical properties (such as structural, functional, and spatial information, amino acid conservation, physicochemical variation, residue mobility, and thermodynamic stability) indicates that this missense variant is not expected to disrupt ATP7A protein function with a negative predictive value of 95%. In summary, the available evidence is currently insufficient to determine the role of this variant in disease. Therefore, it has been classified as a Variant of Uncertain Significance.